The following is an entry in ClinVar:

ClinVar aggregate classification (germline): Uncertain significance. Review status: criteria provided, multiple submitters, no conflicts (2 of 4 stars). 2 submissions from 2 submitters: Uncertain significance (2). Last evaluated 2025-04-12.

Conditions:
5-Oxoprolinase deficiency (OPLAHD). Also called: 5-OXOPROLINURIA DUE TO 5-OXOPROLINASE DEFICIENCY. Identifiers: Orphanet 33572, MedGen C0268525, MONDO:0009825, OMIM 260005, HP:0040142.

Allele frequency attached by ClinVar (database versions not stated): gnomAD 0.00003; gnomAD exomes 0.00002; ExAC 0.00004; TOPMed 0.00006.
gnomAD v4.1: 31 of 1,593,222 alleles (0.0019%); highest among the groups gnomAD compares: South Asian, 0.0068%; no homozygotes.

Submissions (2):

Ambry Genetics
Classification: Uncertain significance. Last evaluated: 2025-04-12. Review status: criteria provided, single submitter. Criteria: Ambry Variant Classification Scheme 2023. Collection method: clinical testing. Allele origin: germline.

Labcorp Genetics (formerly Invitae), Labcorp
Classification: Uncertain significance for 5-Oxoprolinase deficiency. Last evaluated: 2023-10-03. Review status: criteria provided, single submitter. Criteria: Invitae Variant Classification Sherloc (09022015). Collection method: clinical testing. Allele origin: germline.
Comment: This sequence change replaces proline, which is neutral and non-polar, with leucine, which is neutral and non-polar, at codon 444 of the OPLAH protein (p.Pro444Leu). The frequency data for this variant in the population databases is considered unreliable, as metrics indicate poor data quality at this position in the gnomAD database. This variant has not been reported in the literature in individuals affected with OPLAH-related conditions. ClinVar contains an entry for this variant (Variation ID: 2158846). Experimental studies and prediction algorithms are not available or were not evaluated, and the functional significance of this variant is currently unknown. In summary, the available evidence is currently insufficient to determine the role of this variant in disease. Therefore, it has been classified as a Variant of Uncertain Significance.

NM_017570.5(OPLAH):c.1331C>T (p.Pro444Leu)

Gene: OPLAH (5-oxoprolinase, ATP-hydrolysing; minus strand). Cytogenetic location: 8q24.3.
Variant type: single nucleotide variant.
Coding change: c.1331C>T on transcript NM_017570.5 (MANE Select); coding-DNA position 1331, C replaced by T.
Protein change: p.Pro444Leu; replaces proline 444 with leucine.
Molecular consequence: missense variant.
Genome position (GRCh38, 1-based): chr8:144,057,539, G>A on the plus strand (C>T on the coding strand, the complement: OPLAH is on the minus strand). VCF-style: chr8-144057539-G-A. GRCh37 (hg19) VCF-style: chr8-145112442-G-A.
Other names: c.1331C>T (NM_017570.3); short protein forms P444L.
Identifiers: ClinVar variation 2158846 (VCV002158846.4), dbSNP rs781841448, ClinGen allele CA4931914.
Genomic context (GRCh38, chr8:144,057,539, plus strand): 5'-GCCTCGTTGGCCACGCGCACGAACCCCATGGCCACCTCCTCCAGGCTCAGCGGGGAGGCC[G>A]GGCAGGGCCCGTTGGTCAGGAAGCTGTTGACCTCAGTGGCCACAGCCTCCAGGGCTTTGC-3'
Protein context (NP_060040.1, residues 434-454): VNSFLTNGPC[Pro444Leu]ASPLSLEEVA